The following is an entry in ClinVar:

NM_001146.5(ANGPT1):c.809-19dup

Gene: ANGPT1 (angiopoietin 1; minus strand). Cytogenetic location: 8q23.1.
Variant type: Duplication.
Coding change: c.809-19dup on transcript NM_001146.5 (MANE Select); 19 bases into the intron before coding-DNA position 809, one base duplicated (T; older notation c.809-19dupT).
Molecular consequence: intron variant.
Genome position (GRCh38, 1-based): chr8:107,303,372, A duplicated on the plus strand (T on the coding strand, the reverse complement: ANGPT1 is on the minus strand); the first of 15 consecutive A bases (chr8:107,303,372-107,303,386); duplicating any one gives the same sequence. VCF-style (leftmost placement, unchanged base first): chr8-107303371-C-CA. GRCh37 (hg19) VCF-style: chr8-108315599-C-CA.
Other names: p.?; c.806-19dup (NM_001199859.3); c.209-19dup (NM_001314051.2); c.809-5dup (NM_001146.5).
Identifiers: ClinVar variation 1251357 (VCV001251357.4), dbSNP rs149628829, ClinGen allele CA4841248.

ClinVar aggregate classification (germline): Benign/Likely benign. Review status: criteria provided, multiple submitters, no conflicts (2 of 4 stars). 3 submissions from 3 submitters: Benign (2); Likely benign (1). Last evaluated 2025-10-08.

Submissions (3):

Mayo Clinic Laboratories, Mayo Clinic
Classification: Benign. Last evaluated: 2025-10-08. Review status: criteria provided, single submitter. Criteria: ACMG Guidelines, 2015. Collection method: clinical testing. Allele origin: germline. Observed: 5 variant alleles.
Comment: BA1, BP4, BP7

Blueprint Genetics
Classification: Likely benign. Last evaluated: 2024-11-27. Review status: criteria provided, single submitter. Criteria: ACMG Guidelines, 2015. Collection method: clinical testing. Allele origin: germline.

GeneDx
Classification: Benign. Last evaluated: 2021-05-04. Review status: criteria provided, single submitter. Criteria: GeneDx Variant Classification Process June 2021. Collection method: clinical testing. Allele origin: germline. Affected: yes.